The following is an entry in ClinVar:

NM_000528.4(MAN2B1):c.2607_2608insTATAAGAGACAGT (p.Val870fs)

Gene: MAN2B1 (mannosidase alpha class 2B member 1; minus strand). Cytogenetic location: 19p13.13.
Variant type: Insertion.
Coding change: c.2607_2608insTATAAGAGACAGT on transcript NM_000528.4 (MANE Select); coding-DNA positions 2607 to 2608, TATAAGAGACAGT inserted.
Protein change: p.Val870fs; shifts the reading frame from valine 870.
Molecular consequence: frameshift variant.
Genome position: GRCh38 VCF-style: chr19-12648231-C-CACTGTCTCTTATA. GRCh37 (hg19) VCF-style: chr19-12759045-C-CACTGTCTCTTATA.
Other names: c.2604_2605insTATAAGAGACAGT, p.Val869fs (NM_001173498.2); short protein forms V869fs, V870fs.
Identifiers: ClinVar variation 1726511 (VCV001726511.2), dbSNP rs2512486436, ClinGen allele CA2580096669.
Genomic context (GRCh38, chr19:12,648,231, plus strand): 5'-TCACCTGCGTGCGCGGAGGAGCCCCGAGATTGTAGGCGGCGCCGCCACCCGGGGCCAGCA[C>CACTGTCTCTTATA]CACCTGAGGGGCCAGGACCTCCTGCTCCGCCAGGAGCCGGTGTCCGGCGGCTGCAGCCTG-3'

ClinVar aggregate classification (germline): Likely pathogenic (1 of 4 stars; one submission).

Conditions:
Deficiency of alpha-mannosidase (MANSA). Also called: Mannosidosis, alpha-, types I and II; LYSOSOMAL ALPHA-D-MANNOSIDASE DEFICIENCY; Alpha-Mannosidosis. Identifiers: Orphanet 61, MedGen C0024748, MONDO:0009561, OMIM 248500.

Submission:

Myriad Genetics, Inc.
Classification: Likely pathogenic for Deficiency of alpha-mannosidase. Last evaluated: 2021-12-17. Review status: criteria provided, single submitter. Criteria: Myriad Women's Health Autosomal Recessive and X-Linked Classification Criteria (2021). Collection method: clinical testing. Allele origin: unknown.
Comment: NM_000528.3(MAN2B1):c.2607_2608ins13(V870Yfs*65) is expected to be pathogenic in the context of alpha-mannosidosis. This variant is predicted to lead to an abnormal or absent protein product due to the creation of a premature termination codon in MAN2B1, a gene where loss-of-function variants are known to be pathogenic. Please note: this variant was assessed in the context of healthy population screening.